The following is an entry in ClinVar:

NM_015459.5(ATL3):c.1163G>A (p.Cys388Tyr)

Genes: ATL3 (atlastin GTPase 3; minus strand), LNCROPM (lncRNA regulator of PLAAT3 mediated phospholipid metabolism; plus strand), LOC126861231 (CDK7 strongly-dependent group 2 enhancer GRCh37_chr11:63398741-63399940; plus strand). Cytogenetic location: 11q13.1.
Variant type: single nucleotide variant.
Coding change: c.1163G>A on transcript NM_015459.5 (MANE Select); coding-DNA position 1163, G replaced by A.
Protein change: p.Cys388Tyr; replaces cysteine 388 with tyrosine.
Molecular consequence: missense variant.
Genome position (GRCh38, 1-based): chr11:63,631,416, C>T on the plus strand (G>A on the coding strand, the complement: ATL3 is on the minus strand). VCF-style: chr11-63631416-C-T. GRCh37 (hg19) VCF-style: chr11-63398888-C-T.
Other names: c.1109G>A, p.Cys370Tyr (NM_001290048.2); short protein forms C370Y, C388Y.
Identifiers: ClinVar variation 1737549 (VCV001737549.7), dbSNP rs185708855, ClinGen allele CA6063567.

ClinVar aggregate classification (germline): Uncertain significance. Review status: criteria provided, multiple submitters, no conflicts (2 of 4 stars). 2 submissions from 2 submitters: Uncertain significance (2). Last evaluated 2022-03-02.

Conditions:
Neuropathy, hereditary sensory, type 1F. Also called: HSN IF; Hereditary sensory neuropathy type IF. Identifiers: Orphanet 36386, MedGen C3810194, MONDO:0014286, OMIM 615632.
Inborn genetic diseases. Identifiers: MedGen C0950123, MeSH D030342.

Allele frequency attached by ClinVar (database versions not stated): gnomAD 0.00001; gnomAD exomes 0.00001; ExAC 0.00002; TOPMed 0.00003; 1000 Genomes Project 30x 0.00016; 1000 Genomes Project 0.00020.
gnomAD v4.1: 20 of 1,614,152 alleles (0.0012%); highest among the groups gnomAD compares: East Asian, 0.04%; no homozygotes.

Submissions (2):

Labcorp Genetics (formerly Invitae), Labcorp
Classification: Uncertain significance for Neuropathy, hereditary sensory, type 1F. Last evaluated: 2022-03-02. Review status: criteria provided, single submitter. Criteria: Invitae Variant Classification Sherloc (09022015). Collection method: clinical testing. Allele origin: germline.
Comment: In summary, the available evidence is currently insufficient to determine the role of this variant in disease. Therefore, it has been classified as a Variant of Uncertain Significance. Algorithms developed to predict the effect of missense changes on protein structure and function (SIFT, PolyPhen-2, Align-GVGD) all suggest that this variant is likely to be tolerated. This variant has not been reported in the literature in individuals affected with ATL3-related conditions. This variant is present in population databases (rs185708855, gnomAD 0.05%). This sequence change replaces cysteine, which is neutral and slightly polar, with tyrosine, which is neutral and polar, at codon 388 of the ATL3 protein (p.Cys388Tyr).

Ambry Genetics
Classification: Uncertain significance for Inborn genetic diseases. Last evaluated: 2020-08-27. Review status: criteria provided, single submitter. Criteria: Ambry Variant Classification Scheme 2023. Collection method: clinical testing. Allele origin: germline.
Comment: The p.C388Y variant (also known as c.1163G>A), located in coding exon 12 of the ATL3 gene, results from a G to A substitution at nucleotide position 1163. The cysteine at codon 388 is replaced by tyrosine, an amino acid with highly dissimilar properties. This amino acid position is not well conserved in available vertebrate species. In addition, this alteration is predicted to be tolerated by in silico analysis. Since supporting evidence is limited at this time, the clinical significance of this alteration remains unclear.